The following is an entry in ClinVar:

NM_015340.4(LARS2):c.1907C>T (p.Thr636Met)

Gene: LARS2 (leucyl-tRNA synthetase 2, mitochondrial; plus strand). Cytogenetic location: 3p21.31.
Variant type: single nucleotide variant.
Coding change: c.1907C>T on transcript NM_015340.4 (MANE Select); coding-DNA position 1907, C replaced by T.
Protein change: p.Thr636Met; replaces threonine 636 with methionine.
Molecular consequence: missense variant.
Genome position (GRCh38, 1-based): chr3:45,516,139, C>T. VCF-style: chr3-45516139-C-T. GRCh37 (hg19) VCF-style: chr3-45557631-C-T.
Other names: c.1907C>T, p.Thr636Met (NM_001368263.1); short protein forms T636M.
Identifiers: ClinVar variation 1711571 (VCV001711571.35), dbSNP rs575606480, ClinGen allele CA2349724.

ClinVar aggregate classification (germline): Likely benign. Review status: criteria provided, multiple submitters, no conflicts (2 of 4 stars). 2 submissions from 2 submitters: Likely benign (2). Last evaluated 2025-07-14.

Allele frequency attached by ClinVar (database versions not stated): TOPMed 0.00002; gnomAD 0.00007; gnomAD exomes 0.00015; ExAC 0.00036; 1000 Genomes Project 30x 0.00094; 1000 Genomes Project 0.00100.
gnomAD v4.1: 226 of 1,614,064 alleles (0.014%); highest among the groups gnomAD compares: South Asian, 0.24%; 7 homozygotes.

Submissions (2):

Labcorp Genetics (formerly Invitae), Labcorp
Classification: Likely benign. Last evaluated: 2025-07-14. Review status: criteria provided, single submitter. Criteria: Invitae Variant Classification Sherloc (09022015). Collection method: clinical testing. Allele origin: germline.

CeGaT Center for Human Genetics Tuebingen
Classification: Likely benign. Last evaluated: 2022-08-01. Review status: criteria provided, single submitter. Criteria: CeGaT Center For Human Genetics Tuebingen Variant Classification Criteria Version 2. Collection method: clinical testing. Allele origin: germline. Affected: yes. Observed: 1 variant allele.
Comment: LARS2: BP4, BS2